The following is an entry in ClinVar:

NM_005732.4(RAD50):c.2764T>G (p.Phe922Val)

Gene: RAD50 (RAD50 double strand break repair protein; plus strand). Cytogenetic location: 5q31.1.
Variant type: single nucleotide variant.
Coding change: c.2764T>G on transcript NM_005732.4 (MANE Select); coding-DNA position 2764, T replaced by G.
Protein change: p.Phe922Val; replaces phenylalanine 922 with valine.
Molecular consequence: missense variant.
Genome position (GRCh38, 1-based): chr5:132,608,660, T>G. VCF-style: chr5-132608660-T-G. GRCh37 (hg19) VCF-style: chr5-131944352-T-G.
Other names: short protein forms F922V.
Identifiers: ClinVar variation 233349 (VCV000233349.15), dbSNP rs876660348, ClinGen allele CA10578581.
Genomic context (GRCh38, chr5:132,608,660, plus strand): 5'-TTTTTATATTTTTAGGATGCTAAAGAGCAGGTAAGCCCTTTGGAAACAACATTGGAAAAG[T>G]TCCAGCAAGAAAAAGAAGAATTAATCAACAAAAAAAATACAAGCAACAAAATAGCACAGG-3'
Protein context (NP_005723.2, residues 912-932): VSPLETTLEK[Phe922Val]QQEKEELINK

ClinVar aggregate classification (germline): Uncertain significance. Review status: criteria provided, multiple submitters, no conflicts (2 of 4 stars). 2 submissions from 2 submitters: Uncertain significance (2). Last evaluated 2025-07-30.

Conditions:
Hereditary cancer-predisposing syndrome. Also called: Neoplastic Syndromes, Hereditary; Tumor predisposition; Hereditary Cancer Syndrome; Hereditary neoplastic syndrome. Identifiers: Orphanet 140162, MedGen C0027672, MeSH D009386, MONDO:0015356.

Allele frequency attached by ClinVar (database versions not stated): TOPMed 0.00002.
gnomAD v4.1: 1 of 1,600,610 alleles (0.000062%); highest among the groups gnomAD compares: African/African-American, 0.0013%; no homozygotes.

Submissions (2):

Labcorp Genetics (formerly Invitae), Labcorp
Classification: Uncertain significance for Hereditary cancer-predisposing syndrome. Last evaluated: 2025-07-30. Review status: criteria provided, single submitter. Criteria: Invitae Variant Classification Sherloc (09022015). Collection method: clinical testing. Allele origin: germline.
Comment: This sequence change replaces phenylalanine, which is neutral and non-polar, with valine, which is neutral and non-polar, at codon 922 of the RAD50 protein (p.Phe922Val). This variant is not present in population databases (gnomAD no frequency). This variant has not been reported in the literature in individuals affected with RAD50-related conditions. ClinVar contains an entry for this variant (Variation ID: 233349). Invitae Evidence Modeling of protein sequence and biophysical properties (such as structural, functional, and spatial information, amino acid conservation, physicochemical variation, residue mobility, and thermodynamic stability) indicates that this missense variant is not expected to disrupt RAD50 protein function with a negative predictive value of 80%. In summary, the available evidence is currently insufficient to determine the role of this variant in disease. Therefore, it has been classified as a Variant of Uncertain Significance.

Ambry Genetics
Classification: Uncertain significance for Hereditary cancer-predisposing syndrome. Last evaluated: 2024-12-13. Review status: criteria provided, single submitter. Criteria: Ambry Variant Classification Scheme 2023. Collection method: clinical testing. Allele origin: germline.
Comment: The p.F922V variant (also known as c.2764T>G), located in coding exon 17 of the RAD50 gene, results from a T to G substitution at nucleotide position 2764. The phenylalanine at codon 922 is replaced by valine, an amino acid with highly similar properties. This amino acid position is not well conserved in available vertebrate species. In addition, this alteration is predicted to be tolerated by in silico analysis. Since supporting evidence is limited at this time, the clinical significance of this alteration remains unclear.